The following is an entry in ClinVar:

NM_014244.5(ADAMTS2):c.75_76insAC (p.Pro26fs)

Gene: ADAMTS2 (ADAM metallopeptidase with thrombospondin type 1 motif 2; minus strand). Cytogenetic location: 5q35.3.
Variant type: Insertion.
Coding change: c.75_76insAC on transcript NM_014244.5 (MANE Select); coding-DNA positions 75 to 76, AC inserted.
Protein change: p.Pro26fs; shifts the reading frame from proline 26.
Molecular consequence: frameshift variant.
Genome position: GRCh38 VCF-style: chr5-179345253-G-GGT. GRCh37 (hg19) VCF-style: chr5-178772254-G-GGT.
Other names: c.75_76insAC, p.Pro26fs (NM_021599.4); short protein forms P26fs.
Identifiers: ClinVar variation 5011202 (VCV005011202.1).

ClinVar aggregate classification (germline): Pathogenic (1 of 4 stars; one submission).

Conditions:
Ehlers-Danlos syndrome, dermatosparaxis type. Also called: EDS VIIC; Dermatosparaxis; Ehlers-Danlos syndrome, type VII, autosomal recessive. Identifiers: Orphanet 1901, MedGen C2700425, MONDO:0009161, OMIM 225410.

Submission:

Myriad Genetics, Inc.
Classification: Pathogenic for Ehlers-Danlos syndrome, dermatosparaxis type. Last evaluated: 2024-05-14. Review status: criteria provided, single submitter. Criteria: Myriad Autosomal Dominant, Autosomal Recessive and X-Linked Classification Criteria (2023). Collection method: clinical testing. Allele origin: unknown.
Comment: NM_014244.4(ADAMTS2):c.75_76insAC(P26Tfs*140) is expected to be pathogenic in the context of Ehlers-Danlos syndrome, ADAMTS2-related. This variant is predicted to lead to an abnormal or absent protein product due to the creation of a premature termination codon in ADAMTS2, a gene where loss-of-function variants are known to be pathogenic. Please note: this variant was assessed in the context of healthy population screening.